The following is an entry in ClinVar:

ClinVar aggregate classification (germline): Uncertain significance (1 of 4 stars; one submission).

Conditions:
Bethlem myopathy 1A. Also called: MYOPATHY, BENIGN CONGENITAL, WITH CONTRACTURES; Bethlem Muscular Dystrophy; Bethlem myopathy 1. Identifiers: Orphanet 610, MedGen CN029274, MONDO:0024530, OMIM 158810.

Submission:

Labcorp Genetics (formerly Invitae), Labcorp
Classification: Uncertain significance for Bethlem myopathy 1A. Last evaluated: 2022-08-18. Review status: criteria provided, single submitter. Criteria: Invitae Variant Classification Sherloc (09022015). Collection method: clinical testing. Allele origin: germline.
Comment: This sequence change replaces serine, which is neutral and polar, with proline, which is neutral and non-polar, at codon 683 of the COL6A2 protein (p.Ser683Pro). This variant is not present in population databases (gnomAD no frequency). This variant has not been reported in the literature in individuals affected with COL6A2-related conditions. Advanced modeling of protein sequence and biophysical properties (such as structural, functional, and spatial information, amino acid conservation, physicochemical variation, residue mobility, and thermodynamic stability) performed at Invitae indicates that this missense variant is expected to disrupt COL6A2 protein function. In summary, the available evidence is currently insufficient to determine the role of this variant in disease. Therefore, it has been classified as a Variant of Uncertain Significance.

NM_001849.4(COL6A2):c.2047T>C (p.Ser683Pro)

Gene: COL6A2 (collagen type VI alpha 2 chain; plus strand). Cytogenetic location: 21q22.3.
Variant type: single nucleotide variant.
Coding change: c.2047T>C on transcript NM_001849.4 (MANE Select); coding-DNA position 2047, T replaced by C.
Protein change: p.Ser683Pro; replaces serine 683 with proline.
Molecular consequence: missense variant.
Genome position (GRCh38, 1-based): chr21:46,125,862, T>C. VCF-style: chr21-46125862-T-C. GRCh37 (hg19) VCF-style: chr21-47545776-T-C.
Other names: c.2047T>C, p.Ser683Pro (NM_058174.3, NM_058175.3); short protein forms S683P.
Identifiers: ClinVar variation 1715186 (VCV001715186.6), dbSNP rs2517017531, ClinGen allele CA410541325.